The following is an entry in ClinVar:

ClinVar aggregate classification (germline): Likely benign (1 of 4 stars; one submission).

Conditions:
CRKL-related disorder. Also called: CRKL-related condition.

gnomAD v4.1: 174 of 1,613,292 alleles (0.011%); highest among the groups gnomAD compares: Non-Finnish European, 0.014%; no homozygotes.

Submission:

PreventionGenetics, part of Exact Sciences
Classification: Likely benign for CRKL-related condition. Last evaluated: 2025-05-12. Review status: criteria provided, single submitter. Criteria: ACMG Guidelines, 2015. Collection method: clinical testing. Allele origin: germline.
Comment: This variant is classified as likely benign based on ACMG/AMP sequence variant interpretation guidelines (Richards et al. 2015 PMID: 25741868, with internal and published modifications).

NM_005207.4(CRKL):c.810T>C (p.Asn270=)

Gene: CRKL (CRK like proto-oncogene, adaptor protein; plus strand). Cytogenetic location: 22q11.21.
Variant type: single nucleotide variant.
Coding change: c.810T>C on transcript NM_005207.4 (MANE Select); coding-DNA position 810, T replaced by C.
Protein change: p.Asn270=; no amino-acid change (asparagine 270 retained).
Molecular consequence: synonymous variant. On other transcripts: non-coding transcript variant (1).
Genome position (GRCh38, 1-based): chr22:20,949,743, T>C. VCF-style: chr22-20949743-T-C. GRCh37 (hg19) VCF-style: chr22-21304031-T-C.
Identifiers: ClinVar variation 4980660 (VCV004980660.1).
Genomic context (GRCh38, chr22:20,949,743, plus strand): 5'-GCTAACTTTGTCTTCTTCATCCATACAGGTTGGTGACATCGTGAAAGTCACAAGGATGAA[T>C]ATAAATGGCCAGTGGGAAGGCGAAGTGAACGGGCGCAAAGGGCTTTTCCCCTTTACGCAC-3'
Protein context (NP_005198.1, residues 260-280): VGDIVKVTRM[Asn270=]INGQWEGEVN